The following is an entry in ClinVar:

NM_001165963.4(SCN1A):c.2327T>C (p.Ile776Thr)

Gene: SCN1A (sodium voltage-gated channel alpha subunit 1; minus strand). Cytogenetic location: 2q24.3.
Variant type: single nucleotide variant.
Coding change: c.2327T>C on transcript NM_001165963.4 (MANE Select); coding-DNA position 2327, T replaced by C.
Protein change: p.Ile776Thr; replaces isoleucine 776 with threonine.
Molecular consequence: missense variant. On other transcripts: 5 prime UTR variant (1), non-coding transcript variant (1).
Genome position (GRCh38, 1-based): chr2:166,041,319, A>G on the plus strand (T>C on the coding strand, the complement: SCN1A is on the minus strand). VCF-style: chr2-166041319-A-G. GRCh37 (hg19) VCF-style: chr2-166897829-A-G.
Other names: c.2243T>C, p.Ile748Thr (NM_001165964.3, NM_001353957.2, NM_001353958.2); c.2327T>C, p.Ile776Thr (NM_001202435.3, NM_001353948.2); c.2294T>C, p.Ile765Thr (NM_001353949.2, NM_001353950.2, NM_001353951.2 and 2 more transcripts); c.2291T>C, p.Ile764Thr (NM_001353954.2, NM_001353955.2); c.2240T>C, p.Ile747Thr (NM_001353960.2); c.-132T>C (NM_001353961.2); short protein forms I747T, I748T, I764T, I765T, I776T.
Identifiers: ClinVar variation 4282226 (VCV004282226.1).

ClinVar aggregate classification (germline): Uncertain significance (1 of 4 stars; one submission).

Submission:

GeneDx
Classification: Uncertain significance. Last evaluated: 2025-04-19. Review status: criteria provided, single submitter. Criteria: GeneDx Variant Classification Process June 2021. Collection method: clinical testing. Allele origin: germline. Affected: yes.
Comment: Not observed at significant frequency in large population cohorts (gnomAD); In silico analysis supports that this missense variant has a deleterious effect on protein structure/function; Has not been previously published as pathogenic or benign to our knowledge; This substitution is predicted to be within the transmembrane segment S1 of the second homologous domain